The following is an entry in ClinVar:

NM_020919.4(ALS2):c.2980-2A>G

Gene: ALS2 (alsin Rho guanine nucleotide exchange factor ALS2; minus strand). Cytogenetic location: 2q33.1.
Variant type: single nucleotide variant.
Coding change: c.2980-2A>G on transcript NM_020919.4 (MANE Select); the canonical splice acceptor site of the intron before coding-DNA position 2980, A replaced by G.
Molecular consequence: splice acceptor variant.
Genome position (GRCh38, 1-based): chr2:201,726,868, T>C on the plus strand (A>G on the coding strand, the complement: ALS2 is on the minus strand). VCF-style: chr2-201726868-T-C. GRCh37 (hg19) VCF-style: chr2-202591591-T-C.
Other names: IVS17AS, A-G, -2; c.2980-2A>G; c.2980-2A>G (NM_001410975.1).
Identifiers: ClinVar variation 4416 (VCV000004416.4), dbSNP rs386134184, ClinGen allele CA340253.

ClinVar aggregate classification (germline): Pathogenic. Review status: no assertion criteria provided (0 of 4 stars). 2 submissions from 2 submitters: Pathogenic (2). Last evaluated 2011-02-10.

Conditions:
Juvenile primary lateral sclerosis (PLSJ). Also called: Juvenile Primary Lateral Sclerosis (JPLS). Identifiers: Orphanet 247604, MedGen C1853396, MONDO:0011663, OMIM 606353.

Allele frequency attached by ClinVar (database versions not stated): gnomAD exomes below 0.00001; TOPMed below 0.00001.
gnomAD v4.1: 2 of 1,613,560 alleles (0.00012%); highest among the groups gnomAD compares: Middle Eastern, 0.017%; no homozygotes.

Submissions (2):

GeneReviews
Classification: Pathogenic for ALS2-Related Disorders. Last evaluated: 2011-02-10. Review status: no assertion criteria provided. Collection method: curation. Allele origin: unknown.
ClinVar note: Converted during submission from pathologic to Pathogenic.

OMIM
Classification: Pathogenic for PRIMARY LATERAL SCLEROSIS, JUVENILE. Last evaluated: 2009-01-06. Review status: no assertion criteria provided. Collection method: literature only. Allele origin: germline.

Literature cited by the submitters: PubMed 19122027 (cited by OMIM).